The following is an entry in ClinVar:

ClinVar aggregate classification (germline): Pathogenic/Likely pathogenic. Review status: criteria provided, multiple submitters, no conflicts (2 of 4 stars). 14 submissions from 14 submitters: Pathogenic (9); Likely pathogenic (2). 3 of the submissions do not count toward it. Last evaluated 2026-01-28.

Conditions:
Mucopolysaccharidosis type 1. Also called: Mucopolysaccharidosis Type I; IDUA deficiency; MPS I. Identifiers: Orphanet 579, MedGen C0023786, MONDO:0001586.
Hurler syndrome. Also called: MUCOPOLYSACCHARIDOSIS TYPE IH; Gargoylism, Hurler Syndrome; Severe MPS I (Hurler Syndrome). Identifiers: Orphanet 93473, MedGen C0086795, MONDO:0011758, OMIM 607014.
Mucopolysaccharidosis, MPS-I-H/S. Also called: Mucopolysaccharidosis type IH/S. Identifiers: Orphanet 93476, MedGen C0086431, MONDO:0011759, OMIM 607015.

Allele frequency attached by ClinVar (database versions not stated): gnomAD 0.00001 and below 0.00001; ExAC 0.00002.
gnomAD v4.1: 31 of 1,512,716 alleles (0.002%); highest among the groups gnomAD compares: South Asian, 0.038%; no homozygotes.

Submissions (14):

Labcorp Genetics (formerly Invitae), Labcorp
Classification: Pathogenic for Mucopolysaccharidosis type 1. Last evaluated: 2026-01-28. Review status: criteria provided, single submitter. Criteria: Invitae Variant Classification Sherloc (09022015). Collection method: clinical testing. Allele origin: germline.
Comment: This sequence change replaces leucine, which is neutral and non-polar, with proline, which is neutral and non-polar, at codon 490 of the IDUA protein (p.Leu490Pro). The frequency data for this variant in the population databases is considered unreliable, as metrics indicate poor data quality at this position in the gnomAD database. This missense change has been observed in individual(s) with mucopolysaccharidosis type I (PMID: 7550232, 21394825, 27146977). ClinVar contains an entry for this variant (Variation ID: 11919). Invitae Evidence Modeling of protein sequence and biophysical properties (such as structural, functional, and spatial information, amino acid conservation, physicochemical variation, residue mobility, and thermodynamic stability) indicates that this missense variant is expected to disrupt IDUA protein function with a positive predictive value of 80%. Experimental studies have shown that this missense change affects IDUA function (PMID: 7550232). For these reasons, this variant has been classified as Pathogenic.

Natera, Inc.
Classification: Pathogenic for Mucopolysaccharidosis type I. Last evaluated: 2025-12-22. Review status: criteria provided, single submitter. Criteria: Natera Variant Classification Schema (03/2026). Collection method: clinical testing. Allele origin: germline.
Comment: The c.1469T>C variant in IDUA is a missense variant predicted to cause substitution of leucine to proline at amino acid 490. This variant is rare in the general population with a frequency below the threshold expected for the associated phenotype(s). This variant has been observed in one or more individuals affected with the associated recessive disease, as either homozygous or compound heterozygous with a second variant (PMID: 27146977). Given the available evidence, this variant is classified as Pathogenic.

Revvity Omics, Revvity
Classification: Pathogenic. Last evaluated: 2025-04-21. Review status: criteria provided, single submitter. Criteria: ACMG Guidelines, 2015. Collection method: clinical testing. Allele origin: germline.

Women's Health and Genetics/Laboratory Corporation of America, LabCorp
Classification: Pathogenic for Mucopolysaccharidosis type 1. Last evaluated: 2023-08-04. Review status: criteria provided, single submitter. Criteria: LabCorp Variant Classification Summary - May 2015. Collection method: clinical testing. Allele origin: germline.
Comment: Variant summary: IDUA c.1469T>C (p.Leu490Pro) results in a non-conservative amino acid change in the encoded protein sequence. Three of five in-silico tools predict a damaging effect of the variant on protein function. The variant allele was found at a frequency of 4.7e-05 in 149530 control chromosomes (gnomAD). c.1469T>C has been reported in the literature in multiple individuals affected with attenuated Hurler Scheie (example: Ghosh_2017). These data indicate that the variant is very likely to be associated with disease. At least one publication reports experimental evidence evaluating an impact on protein function. The most pronounced variant effect results in <10% of normal activity (example: Oussorena_2013). The following publications have been ascertained in the context of this evaluation (PMID: 28752568, 23786846). Seven submitters have cited clinical-significance assessments for this variant to ClinVar after 2014. All submitters classified the variant as pathogenic/likely pathogenic. Based on the evidence outlined above, the variant was classified as pathogenic.

3billion
Classification: Pathogenic for Hurler syndrome. Last evaluated: 2022-05-22. Review status: criteria provided, single submitter. Criteria: ACMG Guidelines, 2015. Collection method: clinical testing. Allele origin: germline. Affected: yes. Observed: 1 homozygote.
Comment: The variant is observed at an extremely low frequency in the gnomAD v2.1.1 dataset (total allele frequency: 0.005%). Functional studies provide strong evidence of the variant having a damaging effect on the gene or gene product (PMID:23786846). Same nucleotide change resulting in same amino acid change has been previously reported as pathogenic/likely pathogenic with strong evidence (ClinVar ID: VCV000011919). The variant has been observed in multiple (>3) similarly affected unrelated individuals (PMID:11735025, 17570076, 21394825, 27146977, 28752568, 7550232). The variant has been reported to be in trans with a pathogenic variant as either compound heterozygous or homozygous in at least one similarly affected unrelated individual (PMID:, 21394825, 27146977, 28752568). Therefore, this variant is classified as pathogenic according to the recommendation of ACMG/AMP guideline.

GeneDx
Classification: Pathogenic. Last evaluated: 2022-02-28. Review status: criteria provided, single submitter. Criteria: GeneDx Variant Classification Process June 2021. Collection method: clinical testing. Allele origin: germline. Affected: yes.
Comment: Published functional studies demonstrate this variant results in reduced IDUA activity (Tieu et al., 1995); Not observed at significant frequency in large population cohorts (gnomAD); In silico analysis, which includes protein predictors and evolutionary conservation, supports a deleterious effect; This variant is associated with the following publications: (PMID: 28752568, 27146977, 21394825, 31400021, 31473686, 31589614, 23786846, 7550232)

Broad Center for Mendelian Genomics, Broad Institute of MIT and Harvard
Classification: Likely pathogenic for Mucopolysaccharidosis type 1. Last evaluated: 2020-01-14. Review status: criteria provided, single submitter. Criteria: ACMG Guidelines, 2015. Collection method: curation. Allele origin: germline. Inheritance: Autosomal recessive inheritance.
Comment: The p.Leu490Pro variant in IDUA has been reported in at least 20 individuals with mucopolysaccharidosis (MPS) (PMID: 28752568, 7550232, 11735025, 21394825) and has been Identified in 0.026% (6/22666) of South Asian chromosomes and 0.001% (1/69396) of European (non-Finnish) chromosomes by the Genome Aggregation Database (gnomAD; dbSNP rs121965027). Although this variant has been seen in the general population, its frequency is low enough to be consistent with a recessive carrier frequency. This variant has also been reported in ClinVar (VariationID: 11919) as Pathogenic by EGL Genetic Diagnostics, Counsyl, and OMIM. In vitro functional studies provide some evidence that the p.Leu490Pro variant may impact protein function (PMID: 7550232). However, these types of assays may not accurately represent biological function. The phenotype of individuals homozygous for this variant is highly specific for MPS1 based on alpha-l-iduronidase activity being <1% of normal consistent with disease (PMID: 27146977). The presence of this variant in at least 19 affected homozygotes and in combination with a reported pathogenic variant in an individual with MPS increases the likelihood that the p.Leu490Pro variant is pathogenic (VariationID: 556406; PMID: 28752568, 7550232, 11735025, 21394825, 27146977). In summary, although additional studies are required to fully establish its clinical significance, this variant is likely pathogenic. ACMG/AMP Criteria applied: PM3, PS3_moderate, PM2_supporting, PP4 (Richards 2015).

Eurofins Ntd Llc (ga)
Classification: Pathogenic. Last evaluated: 2012-07-31. Review status: criteria provided, single submitter. Criteria: EGL Classification Definitions. Collection method: clinical testing. Allele origin: germline. Observed: 2 variant alleles, 2 homozygotes.

Foundation for Research in Genetics and Endocrinology, FRIGE's Institute of Human Genetics
Classification: Pathogenic for Hurler syndrome. Review status: criteria provided, single submitter. Criteria: ACMG Guidelines, 2015. Collection method: clinical testing. Allele origin: germline. Inheritance: Autosomal recessive inheritance. Affected: yes. Observed: 1 homozygote.
Comment: A homozygous missense variant in exon 10 of the IDUA gene that results in the amino acid substitution of Proline for Leucine at codon 490 was detected. The observed variant c.1469T>C:p.(Leu490Pro) has not been reported in the 1000 genomes and has a MAF of 0.002% in the ExAC databases. The in silico prediction of the variant is damaging by PROVEAN and MutationTaster2. In summary, the variant meets our criteria to be classified as pathogenic.

Kasturba Medical College, Manipal, Kasturba Medical College, Manipal, Manipal Academy of Higher Education, Manipal, India
Classification: Pathogenic for Mucopolysaccharidosis type 1. Review status: criteria provided, single submitter. Criteria: ACMG Guidelines, 2015. Collection method: clinical testing. Allele origin: biparental. Inheritance: Autosomal recessive inheritance. Affected: yes. Observed: 1 homozygote.
Comment: This variant is not observed in homozygous state in gnomAD (v4.1.0) population database and our in-house database of 3412 individuals. In silico prediction tools (MutationTaster and REVEL) are consistent in predicting the variant to be damaging to IDUA protein function. In vitro functional studies by Tieu et al indicate that this variant showed absence of enzyme activity.

Neuberg Centre For Genomic Medicine, NCGM
Classification: Likely pathogenic for Hurler syndrome. Review status: criteria provided, single submitter. Criteria: ACMG Guidelines, 2015. Collection method: clinical testing. Allele origin: germline. Inheritance: Autosomal recessive inheritance. Affected: yes.
Comment: The missense variant p.L490P in IDUA (NM_000203.4) has been reported previously in multiple patients in homozygous state including those of Indian origin (Uttarilli A et al,2016). Although the variant is present at 0.0047% in gnomAD Exomes, it has the flag "Failed Random Forest" and may not represent the true population frequency. The p.L490P variant is novel (not in any individuals) in 1000 Genomes. There is a moderate physicochemical difference between leucine and proline. For these reasons, this variant has been classified as Likely Pathogenic.

Counsyl
Classification: Pathogenic for Hurler syndrome. Last evaluated: 2018-04-18. Review status: no assertion criteria provided. Collection method: clinical testing. Allele origin: unknown. Not counted in ClinVar's aggregate classification.

OMIM
Classification: Pathogenic for HURLER-SCHEIE SYNDROME. Last evaluated: 1995-01-01. Review status: no assertion criteria provided. Collection method: literature only. Allele origin: germline. Not counted in ClinVar's aggregate classification.

Molecular Biology Laboratory, Department of Zoology, Quaid-i-azam University
Classification: Pathogenic for Hurler syndrome. Review status: no assertion criteria provided. Collection method: research. Allele origin: inherited. Affected: yes. Not counted in ClinVar's aggregate classification.

Literature cited by the submitters: PubMed 7550232 (cited by 6 submitters); PubMed 21394825 (cited by 4 submitters); PubMed 27146977 (cited by 5 submitters); PubMed 23786846 (cited by 3 submitters); PubMed 28752568 (cited by 3 submitters); PubMed 17570076 (cited by 3billion and Counsyl); PubMed 11735025 (cited by 3billion and Broad Center for Mendelian Genomics, Broad Institute of MIT and Harvard); PubMed 23084433 (cited by Counsyl).

NM_000203.5(IDUA):c.1469T>C (p.Leu490Pro)

Gene: IDUA (alpha-L-iduronidase; plus strand). Cytogenetic location: 4p16.3.
Variant type: single nucleotide variant.
Coding change: c.1469T>C on transcript NM_000203.5 (MANE Select); coding-DNA position 1469, T replaced by C.
Protein change: p.Leu490Pro; replaces leucine 490 with proline.
Molecular consequence: missense variant. On other transcripts: non-coding transcript variant (1).
Genome position (GRCh38, 1-based): chr4:1,003,102, T>C. VCF-style: chr4-1003102-T-C. GRCh37 (hg19) VCF-style: chr4-996890-T-C.
Other names: c.1073T>C, p.Leu358Pro (NM_001363576.1); short protein forms L490P, L358P.
Identifiers: ClinVar variation 11919 (VCV000011919.39), dbSNP rs121965027, ClinGen allele CA220503.